The following is an entry in ClinVar:

ClinVar aggregate classification (germline): Uncertain significance (1 of 4 stars; one submission).

Allele frequency attached by ClinVar (database versions not stated): gnomAD exomes below 0.00001 and 0.00001; TOPMed below 0.00001; ExAC 0.00001.
gnomAD v4.1: 9 of 1,614,080 alleles (0.00056%); highest among the groups gnomAD compares: South Asian, 0.0011%; no homozygotes.

Submission:

Labcorp Genetics (formerly Invitae), Labcorp
Classification: Uncertain significance. Last evaluated: 2023-05-15. Review status: criteria provided, single submitter. Criteria: Invitae Variant Classification Sherloc (09022015). Collection method: clinical testing. Allele origin: germline.
Comment: In summary, the available evidence is currently insufficient to determine the role of this variant in disease. Therefore, it has been classified as a Variant of Uncertain Significance. Advanced modeling of protein sequence and biophysical properties (such as structural, functional, and spatial information, amino acid conservation, physicochemical variation, residue mobility, and thermodynamic stability) has been performed at Invitae for this missense variant, however the output from this modeling did not meet the statistical confidence thresholds required to predict the impact of this variant on RP1L1 protein function. ClinVar contains an entry for this variant (Variation ID: 1395272). This variant has not been reported in the literature in individuals affected with RP1L1-related conditions. This variant is present in population databases (rs759368505, gnomAD 0.0009%). This sequence change replaces proline, which is neutral and non-polar, with leucine, which is neutral and non-polar, at codon 44 of the RP1L1 protein (p.Pro44Leu).

NM_178857.6(RP1L1):c.131C>T (p.Pro44Leu)

Gene: RP1L1 (RP1 like 1). Cytogenetic location: 8p23.1.
Variant type: single nucleotide variant.
Coding change: c.131C>T on transcript NM_178857.6 (MANE Select); coding-DNA position 131, C replaced by T.
Protein change: p.Pro44Leu; replaces proline 44 with leucine.
Molecular consequence: missense variant.
Genome position (GRCh38, 1-based): chr8:10,623,071, G>A on the plus strand (C>T on the coding strand, the complement: RP1L1 is on the minus strand). VCF-style: chr8-10623071-G-A. GRCh37 (hg19) VCF-style: chr8-10480581-G-A.
Other names: short protein forms P44L.
Identifiers: ClinVar variation 1395272 (VCV001395272.6), dbSNP rs759368505, ClinGen allele CA4625863.